The following is an entry in ClinVar:

NM_001318777.2(TIRAP):c.361C>T (p.Arg121Trp)

Gene: TIRAP (TIR domain containing adaptor protein; plus strand). Cytogenetic location: 11q24.2.
Variant type: single nucleotide variant.
Coding change: c.361C>T on transcript NM_001318777.2 (MANE Select); coding-DNA position 361, C replaced by T.
Protein change: p.Arg121Trp; replaces arginine 121 with tryptophan.
Molecular consequence: missense variant.
Genome position (GRCh38, 1-based): chr11:126,292,770, C>T. VCF-style: chr11-126292770-C-T. GRCh37 (hg19) VCF-style: chr11-126162665-C-T.
Other names: c.361C>T, p.Arg121Trp (NM_001039661.2, NM_001318776.2, NM_148910.3); short protein forms R121W.
Identifiers: ClinVar variation 4978968 (VCV004978968.1).

ClinVar aggregate classification (germline): Uncertain significance (1 of 4 stars; one submission).

Conditions:
TIRAP-related disorder. Also called: TIRAP-related condition.

gnomAD v4.1: 128 of 1,612,918 alleles (0.0079%); highest among the groups gnomAD compares: South Asian, 0.039%; no homozygotes.

Submission:

PreventionGenetics, part of Exact Sciences
Classification: Uncertain significance for TIRAP-related condition. Last evaluated: 2025-03-28. Review status: criteria provided, single submitter. Criteria: ACMG Guidelines, 2015. Collection method: clinical testing. Allele origin: germline.
Comment: The TIRAP c.361C>T variant is predicted to result in the amino acid substitution p.Arg121Trp. This variant has been reported in the homozygous and heterozygous states in consanguineous Pakistani kindred. In total seven family members were homozygous for the c.361C>T variant, however only the proband developed life-threatening staphylococcal disease in childhood (Weller et al. 2012. PubMed ID: 23002119; Israel et al. 2017. PubMed ID: 28235196). In the family members homozygous for the c.361C>T variant, the responses to all TLR1/2, TLR2/6, and TLRF agonists were impaired in the fibroblast and leukocytes, however the whole-blood response to the TLR2/6 agonist staphylococcal lipoteichoic acid was abolished only in the proband (Israel et al. 2017. PubMed ID: 28235196). Additional studies showed the relatives of the proband have TIRAP deficiency, however they do not present with a clinical phenotype (Weller et al. 2012. PubMed ID: 23002119; Israel et al. 2017. PubMed ID: 28235196). Overall, these data suggests that the proband had an autosomal recessive TIRAP deficiency, with incomplete penetrance for severe staphylococcal disease (Israel et al. 2017. PubMed ID: 28235196). This variant was not identified in 140 Pakistani individuals for the CEPH-HGD panel (Israel et al. 2017. PubMed ID: 28235196) and is reported in 0.026% of alleles in individuals of South Asian descent in gnomAD. Although we suspect this variant may be pathogenic, at this time, without additional functional and genetic evidence, the clinical significance of the c.361T>C variant is uncertain.